The following is an entry in ClinVar:

NM_001032283.3(TMPO):c.257G>A (p.Arg86Gln)

Genes: TMPO (thymopoietin; plus strand), TMPO-AS1 (TMPO antisense RNA 1; minus strand), LOC130008520 (ATAC-STARR-seq lymphoblastoid silent region 4752; plus strand). Cytogenetic location: 12q23.1.
Variant type: single nucleotide variant.
Coding change: c.257G>A on transcript NM_001032283.3 (MANE Select); coding-DNA position 257, G replaced by A.
Protein change: p.Arg86Gln; replaces arginine 86 with glutamine.
Molecular consequence: missense variant. On other transcripts: non-coding transcript variant (1).
Genome position (GRCh38, 1-based): chr12:98,516,124, G>A. VCF-style: chr12-98516124-G-A. GRCh37 (hg19) VCF-style: chr12-98909902-G-A.
Other names: c.257G>A, p.Arg86Gln (NM_001032284.3, NM_001307975.2, NM_003276.2); short protein forms R86Q.
Identifiers: ClinVar variation 1793354 (VCV001793354.2), dbSNP rs2548489130, ClinGen allele CA386239751.

ClinVar aggregate classification (germline): Uncertain significance (1 of 4 stars; one submission).

Allele frequency attached by ClinVar (database versions not stated): gnomAD exomes below 0.00001.
gnomAD v4.1: 1 of 1,491,560 alleles (0.000067%); highest among the groups gnomAD compares: Non-Finnish European, 0.000088%; no homozygotes.

Submission:

Ambry Genetics
Classification: Uncertain significance. Last evaluated: 2021-11-19. Review status: criteria provided, single submitter. Criteria: Ambry Variant Classification Scheme 2023. Collection method: clinical testing. Allele origin: germline.
Comment: The p.R86Q variant (also known as c.257G>A), located in coding exon 1 of the TMPO gene, results from a G to A substitution at nucleotide position 257. The arginine at codon 86 is replaced by glutamine, an amino acid with highly similar properties. This amino acid position is conserved. In addition, this alteration is predicted to be tolerated by in silico analysis. Since supporting evidence is limited at this time, the clinical significance of this alteration remains unclear.